The following is an entry in ClinVar:

NM_005188.4(CBL):c.2485C>T (p.Arg829Trp)

Gene: CBL (Cbl proto-oncogene; plus strand). Cytogenetic location: 11q23.3.
Variant type: single nucleotide variant.
Coding change: c.2485C>T on transcript NM_005188.4 (MANE Select); coding-DNA position 2485, C replaced by T.
Protein change: p.Arg829Trp; replaces arginine 829 with tryptophan.
Molecular consequence: missense variant.
Genome position (GRCh38, 1-based): chr11:119,299,545, C>T. VCF-style: chr11-119299545-C-T. GRCh37 (hg19) VCF-style: chr11-119170255-C-T.
Other names: short protein forms R829W.
Identifiers: ClinVar variation 849576 (VCV000849576.16), dbSNP rs761245258, ClinGen allele CA6318797.
Genomic context (GRCh38, chr11:119,299,545, plus strand): 5'-TTTCTTCTAGATGTCACTGAAGGTTCCCAAGTTCCCGAGAGGCCTCCAAAACCATTCCCG[C>T]GGAGAATCAACTCTGAACGGAAAGCTGGCAGCTGTCAGCAAGGTAGTGGTCCTGCCGCCT-3'
Protein context (NP_005179.2, residues 819-839): VPERPPKPFP[Arg829Trp]RINSERKAGS

ClinVar aggregate classification (germline): Uncertain significance. Review status: criteria provided, multiple submitters, no conflicts (2 of 4 stars). 4 submissions from 4 submitters: Uncertain significance (4). Last evaluated 2025-03-10.

Conditions:
Noonan syndrome and Noonan-related syndrome. Identifiers: Orphanet 98733, MedGen C5681679, MONDO:0020297.
Cardiovascular phenotype. Identifiers: MedGen CN230736.
RASopathy. Also called: rasopathies; Noonan spectrum disorder. Identifiers: Orphanet 536391, MedGen C5555857, MONDO:0021060.

Allele frequency attached by ClinVar (database versions not stated): TOPMed below 0.00001; ExAC 0.00002; gnomAD exomes 0.00002.
gnomAD v4.1: 23 of 1,614,140 alleles (0.0014%); highest among the groups gnomAD compares: East Asian, 0.018%; no homozygotes.

Submissions (4):

Labcorp Genetics (formerly Invitae), Labcorp
Classification: Uncertain significance for RASopathy. Last evaluated: 2025-03-10. Review status: criteria provided, single submitter. Criteria: Invitae Variant Classification Sherloc (09022015). Collection method: clinical testing. Allele origin: germline.
Comment: This sequence change replaces arginine, which is basic and polar, with tryptophan, which is neutral and slightly polar, at codon 829 of the CBL protein (p.Arg829Trp). This variant is present in population databases (rs761245258, gnomAD 0.006%). This variant has not been reported in the literature in individuals affected with CBL-related conditions. ClinVar contains an entry for this variant (Variation ID: 849576). Invitae Evidence Modeling of protein sequence and biophysical properties (such as structural, functional, and spatial information, amino acid conservation, physicochemical variation, residue mobility, and thermodynamic stability) has been performed for this missense variant. However, the output from this modeling did not meet the statistical confidence thresholds required to predict the impact of this variant on CBL protein function. In summary, the available evidence is currently insufficient to determine the role of this variant in disease. Therefore, it has been classified as a Variant of Uncertain Significance.

Ambry Genetics
Classification: Uncertain significance for Cardiovascular phenotype. Last evaluated: 2022-10-02. Review status: criteria provided, single submitter. Criteria: Ambry Variant Classification Scheme 2023. Collection method: clinical testing. Allele origin: germline.
Comment: The p.R829W variant (also known as c.2485C>T), located in coding exon 16 of the CBL gene, results from a C to T substitution at nucleotide position 2485. The arginine at codon 829 is replaced by tryptophan, an amino acid with dissimilar properties. This amino acid position is conserved. In addition, this alteration is predicted to be deleterious by in silico analysis. Since supporting evidence is limited at this time, the clinical significance of this alteration remains unclear.

Genetic Services Laboratory, University of Chicago
Classification: Uncertain significance. Last evaluated: 2021-10-11. Review status: criteria provided, single submitter. Criteria: ACMG Guidelines, 2015. Collection method: clinical testing. Allele origin: germline. Affected: no.
Comment: DNA sequence analysis of the CBL gene demonstrated a sequence change, c.2485C>T, in exon 16 that results in an amino acid change, p.Arg829Trp. This sequence change has been described in the gnomAD database with a frequency of 0.0054%in the East Asian subpopulation (dbSNP rs761245258). The p.Arg829Trp change affects a moderately conserved amino acid residue located in a domain of the CBL protein that is not known to be functional. In-silico pathogenicity prediction tools (SIFT, PolyPhen2, Align GVGD, REVEL) provide contradictory results for the p.Arg829Trp substitution. This sequence change does not appear to have been previously described in individuals with CBL-related disorders. Due to insufficient evidences and the lack of functional studies, the clinical significance of the p.Arg829Trp change remains unknown at this time.

Genome Diagnostics Laboratory, The Hospital for Sick Children
Classification: Uncertain significance for Noonan syndrome and Noonan-related syndrome. Last evaluated: 2020-02-01. Review status: criteria provided, single submitter. Criteria: ACMG Guidelines, 2015. Collection method: clinical testing. Allele origin: germline.